The following is an entry in ClinVar:

ClinVar aggregate classification (germline): Likely benign. Review status: criteria provided, multiple submitters, no conflicts (2 of 4 stars). 2 submissions from 2 submitters: Likely benign (2). Last evaluated 2025-10-23.

Submissions (2):

Labcorp Genetics (formerly Invitae), Labcorp
Classification: Likely benign. Last evaluated: 2025-10-23. Review status: criteria provided, single submitter. Criteria: Invitae Variant Classification Sherloc (09022015). Collection method: clinical testing. Allele origin: germline.

Women's Health and Genetics/Laboratory Corporation of America, LabCorp
Classification: Likely benign. Last evaluated: 2025-04-08. Review status: criteria provided, single submitter. Criteria: LabCorp Variant Classification Summary - May 2015. Collection method: clinical testing. Allele origin: germline.
Comment: Variant summary: COL11A2 c.3474+18A>G alters a nucleotide located at a position not widely known to affect splicing. Consensus agreement among computation tools predict no significant impact on normal splicing. However, these predictions have yet to be confirmed by functional studies. The variant was absent in 245564 control chromosomes. The available data on variant occurrences in the general population are insufficient to allow any conclusion about variant significance. To our knowledge, no occurrence of c.3474+18A>G in individuals affected with COL11A2-Related Disorders and no experimental evidence demonstrating its impact on protein function have been reported. No submitters have cited clinical-significance assessments for this variant to ClinVar. Based on the evidence outlined above, the variant was classified as likely benign.

NM_080680.3(COL11A2):c.3474+18A>G

Gene: COL11A2 (collagen type XI alpha 2 chain; minus strand). Cytogenetic location: 6p21.32.
Variant type: single nucleotide variant.
Coding change: c.3474+18A>G on transcript NM_080680.3 (MANE Select); 18 bases into the intron after coding-DNA position 3474, A replaced by G.
Molecular consequence: intron variant.
Genome position (GRCh38, 1-based): chr6:33,170,792, T>C on the plus strand (A>G on the coding strand, the complement: COL11A2 is on the minus strand). VCF-style: chr6-33170792-T-C. GRCh37 (hg19) VCF-style: chr6-33138569-T-C.
Other names: c.2448+18A>G (NM_001424111.1, NM_001424110.1); c.3153+18A>G (NM_080679.3); c.3216+18A>G (NM_080681.3); c.3294+18A>G (NM_001424108.1); c.2628+18A>G (NM_001424109.1); c.1428+18A>G (NM_001424112.1).
Identifiers: ClinVar variation 3896395 (VCV003896395.3).